The following is an entry in ClinVar:

NM_031220.4(PITPNM3):c.2662G>A (p.Ala888Thr)

Gene: PITPNM3 (PITPNM family member 3; minus strand). Cytogenetic location: 17p13.2.
Variant type: single nucleotide variant.
Coding change: c.2662G>A on transcript NM_031220.4 (MANE Select); coding-DNA position 2662, G replaced by A.
Protein change: p.Ala888Thr; replaces alanine 888 with threonine.
Molecular consequence: missense variant.
Genome position (GRCh38, 1-based): chr17:6,455,601, C>T on the plus strand (G>A on the coding strand, the complement: PITPNM3 is on the minus strand). VCF-style: chr17-6455601-C-T. GRCh37 (hg19) VCF-style: chr17-6358921-C-T.
Other names: c.2554G>A, p.Ala852Thr (NM_001165966.2); short protein forms A852T, A888T.
Identifiers: ClinVar variation 1394535 (VCV001394535.8), dbSNP rs779300376, ClinGen allele CA8329056.

ClinVar aggregate classification (germline): Uncertain significance (1 of 4 stars; one submission).

Allele frequency attached by ClinVar (database versions not stated): ExAC 0.00001; gnomAD 0.00001; gnomAD exomes 0.00001.
gnomAD v4.1: 10 of 1,589,264 alleles (0.00063%); highest among the groups gnomAD compares: East Asian, 0.0023%; no homozygotes.

Submission:

Labcorp Genetics (formerly Invitae), Labcorp
Classification: Uncertain significance. Last evaluated: 2025-03-17. Review status: criteria provided, single submitter. Criteria: Invitae Variant Classification Sherloc (09022015). Collection method: clinical testing. Allele origin: germline.
Comment: This sequence change replaces alanine, which is neutral and non-polar, with threonine, which is neutral and polar, at codon 888 of the PITPNM3 protein (p.Ala888Thr). The frequency data for this variant in the population databases is considered unreliable, as metrics indicate poor data quality at this position in the gnomAD database. This variant has not been reported in the literature in individuals affected with PITPNM3-related conditions. ClinVar contains an entry for this variant (Variation ID: 1394535). Invitae Evidence Modeling of protein sequence and biophysical properties (such as structural, functional, and spatial information, amino acid conservation, physicochemical variation, residue mobility, and thermodynamic stability) indicates that this missense variant is not expected to disrupt PITPNM3 protein function with a negative predictive value of 80%. In summary, the available evidence is currently insufficient to determine the role of this variant in disease. Therefore, it has been classified as a Variant of Uncertain Significance.